The following is an entry in ClinVar:

NM_018036.7(ATG2B):c.1436A>G (p.Asn479Ser)

Gene: ATG2B (autophagy related 2B; minus strand). Cytogenetic location: 14q32.2.
Variant type: single nucleotide variant.
Coding change: c.1436A>G on transcript NM_018036.7 (MANE Select); coding-DNA position 1436, A replaced by G.
Protein change: p.Asn479Ser; replaces asparagine 479 with serine.
Molecular consequence: missense variant.
Genome position (GRCh38, 1-based): chr14:96,332,337, T>C on the plus strand (A>G on the coding strand, the complement: ATG2B is on the minus strand). VCF-style: chr14-96332337-T-C. GRCh37 (hg19) VCF-style: chr14-96798674-T-C.
Other names: short protein forms N479S.
Identifiers: ClinVar variation 769866 (VCV000769866.8), dbSNP rs77998773, ClinGen allele CA7336724.
Genomic context (GRCh38, chr14:96,332,337, plus strand): 5'-TAACAACAAATGTCTTATTTTTACTTACATGTCTTCTGTAAAGGTGTTGGGTGAACTAGG[T>C]TGGATGGAAATGTTGACCCTCTTACTGGCTGTTCTTTATGATGATCAAGGAACTCTCCCC-3'
Protein context (NP_060506.6, residues 469-489): QPVRGSTFPS[Asn479Ser]LVHPTPLQKT

ClinVar aggregate classification (germline): Benign. Review status: criteria provided, multiple submitters, no conflicts (2 of 4 stars). 4 submissions from 4 submitters: Benign (3). 1 of the submissions does not count toward it. Last evaluated 2018-07-05.

Conditions:
ATG2B-related disorder. Also called: ATG2B-related condition.

Allele frequency attached by ClinVar (database versions not stated): gnomAD exomes 0.00243 and 0.00630; ExAC 0.00733; gnomAD 0.02442 and 0.02629; TOPMed 0.02677; ESP Exome Variant Server 0.02745; 1000 Genomes Project 0.02955; 1000 Genomes Project 30x 0.03123.

Submissions (4):

GeneDx
Classification: Benign. Last evaluated: 2018-07-05. Review status: criteria provided, single submitter. Criteria: GeneDx Variant Classification Process June 2021. Collection method: clinical testing. Allele origin: germline. Affected: yes.

Labcorp Genetics (formerly Invitae), Labcorp
Classification: Benign. Last evaluated: 2018-02-26. Review status: criteria provided, single submitter. Criteria: Invitae Variant Classification Sherloc (09022015). Collection method: clinical testing. Allele origin: germline.

Breakthrough Genomics
Classification: Benign. Review status: criteria provided, single submitter. Criteria: ACMG Guidelines, 2015. Collection method: not provided. Allele origin: germline. Inheritance: Unknown mechanism. Affected: yes.

PreventionGenetics, part of Exact Sciences
Classification: Benign for ATG2B-related condition. Last evaluated: 2019-06-27. Review status: no assertion criteria provided. Collection method: clinical testing. Allele origin: germline. Not counted in ClinVar's aggregate classification.
Comment: This variant is classified as benign based on ACMG/AMP sequence variant interpretation guidelines (Richards et al. 2015 PMID: 25741868, with internal and published modifications).